The following is an entry in ClinVar:

NM_003098.3(SNTA1):c.202G>A (p.Ala68Thr)

Gene: SNTA1 (syntrophin alpha 1; minus strand). Cytogenetic location: 20q11.21.
Variant type: single nucleotide variant.
Coding change: c.202G>A on transcript NM_003098.3 (MANE Select); coding-DNA position 202, G replaced by A.
Protein change: p.Ala68Thr; replaces alanine 68 with threonine.
Molecular consequence: missense variant.
Genome position (GRCh38, 1-based): chr20:33,443,419, C>T on the plus strand (G>A on the coding strand, the complement: SNTA1 is on the minus strand). VCF-style: chr20-33443419-C-T. GRCh37 (hg19) VCF-style: chr20-32031225-C-T.
Other names: short protein forms A68T.
Identifiers: ClinVar variation 1187956 (VCV001187956.4), dbSNP rs1990629920, ClinGen allele CA408634194.

ClinVar aggregate classification (germline): Uncertain significance. Review status: criteria provided, multiple submitters, no conflicts (2 of 4 stars). 3 submissions from 3 submitters: Uncertain significance (3). Last evaluated 2025-09-13.

Conditions:
Cardiovascular phenotype. Identifiers: MedGen CN230736.
Long QT syndrome (LQTS). Identifiers: MedGen C0023976, MeSH D008133, MONDO:0002442. Disease mechanism: loss of function. Inheritance: Various modes of inheritance.

gnomAD v4.1: 2 of 1,340,362 alleles (0.00015%); highest among the groups gnomAD compares: South Asian, 0.0019%; no homozygotes.

Submissions (3):

Labcorp Genetics (formerly Invitae), Labcorp
Classification: Uncertain significance for Long QT syndrome. Last evaluated: 2025-09-13. Review status: criteria provided, single submitter. Criteria: Invitae Variant Classification Sherloc (09022015). Collection method: clinical testing. Allele origin: germline.
Comment: This sequence change replaces alanine, which is neutral and non-polar, with threonine, which is neutral and polar, at codon 68 of the SNTA1 protein (p.Ala68Thr). This variant is not present in population databases (gnomAD no frequency). This variant has not been reported in the literature in individuals affected with SNTA1-related conditions. ClinVar contains an entry for this variant (Variation ID: 1187956). An algorithm developed to predict the effect of missense changes on protein structure and function outputs the following: PolyPhen-2: "Benign". The threonine amino acid residue is found in multiple mammalian species, which suggests that this missense change does not adversely affect protein function. In summary, the available evidence is currently insufficient to determine the role of this variant in disease. Therefore, it has been classified as a Variant of Uncertain Significance.

Ambry Genetics
Classification: Uncertain significance for Cardiovascular phenotype. Last evaluated: 2025-05-30. Review status: criteria provided, single submitter. Criteria: Ambry Variant Classification Scheme 2023. Collection method: clinical testing. Allele origin: germline.
Comment: The p.A68T variant (also known as c.202G>A), located in coding exon 1 of the SNTA1 gene, results from a G to A substitution at nucleotide position 202. The alanine at codon 68 is replaced by threonine, an amino acid with similar properties. This amino acid position is conserved. In addition, this alteration is predicted to be tolerated by in silico analysis. Based on the available evidence, the clinical significance of this variant remains unclear.

GeneDx
Classification: Uncertain significance. Last evaluated: 2020-01-20. Review status: criteria provided, single submitter. Criteria: GeneDx Variant Classification Process June 2021. Collection method: clinical testing. Allele origin: germline. Affected: yes.
Comment: Has not been previously published as pathogenic or benign to our knowledge; Not observed in large population cohorts (Lek et al., 2016); In silico analysis, which includes protein predictors and evolutionary conservation, supports that this variant does not alter protein structure/function